The following is an entry in ClinVar:

ClinVar aggregate classification (germline): Uncertain significance (1 of 4 stars; one submission).

gnomAD v4.1: 14 of 1,208,050 alleles (0.0012%); highest among the groups gnomAD compares: Non-Finnish European, 0.0016%; no homozygotes.

Submission:

Labcorp Genetics (formerly Invitae), Labcorp
Classification: Uncertain significance. Last evaluated: 2025-04-10. Review status: criteria provided, single submitter. Criteria: Invitae Variant Classification Sherloc (09022015). Collection method: clinical testing. Allele origin: germline.
Comment: This sequence change replaces glutamine, which is neutral and polar, with glutamic acid, which is acidic and polar, at codon 208 of the BCAP31 protein (p.Gln208Glu). This variant is not present in population databases (gnomAD no frequency). This variant has not been reported in the literature in individuals affected with BCAP31-related conditions. An algorithm developed to predict the effect of missense changes on protein structure and function outputs the following: PolyPhen-2: "Benign". The glutamic acid amino acid residue is found in multiple mammalian species, which suggests that this missense change does not adversely affect protein function. In summary, the available evidence is currently insufficient to determine the role of this variant in disease. Therefore, it has been classified as a Variant of Uncertain Significance.

NM_001256447.2(BCAP31):c.622C>G (p.Gln208Glu)

Gene: BCAP31 (B cell receptor associated protein 31; minus strand). Cytogenetic location: Xq28.
Variant type: single nucleotide variant.
Coding change: c.622C>G on transcript NM_001256447.2 (MANE Select); coding-DNA position 622, C replaced by G.
Protein change: p.Gln208Glu; replaces glutamine 208 with glutamic acid.
Molecular consequence: missense variant.
Genome position (GRCh38, 1-based): chrX:153,702,087, G>C on the plus strand (C>G on the coding strand, the complement: BCAP31 is on the minus strand). VCF-style: chrX-153702087-G-C. GRCh37 (hg19) VCF-style: chrX-152967542-G-C.
Other names: c.622C>G, p.Gln208Glu (NM_001139441.1, NM_005745.8); c.823C>G, p.Gln275Glu (NM_001139457.2); short protein forms Q275E, Q208E.
Identifiers: ClinVar variation 4693636 (VCV004693636.1).